The following is an entry in ClinVar:

ClinVar aggregate classification (germline): Uncertain significance. Review status: criteria provided, multiple submitters, no conflicts (2 of 4 stars). 3 submissions from 3 submitters: Uncertain significance (3). Last evaluated 2025-06-06.

Conditions:
Hereditary cancer-predisposing syndrome. Also called: Tumor predisposition; Hereditary Cancer Syndrome; Neoplastic Syndromes, Hereditary; Hereditary neoplastic syndrome. Identifiers: Orphanet 140162, MedGen C0027672, MeSH D009386, MONDO:0015356.
DICER1-related tumor predisposition. Also called: DICER1-related pleuropulmonary blastoma cancer predisposition syndrome; DICER1 syndrome. Identifiers: Orphanet 284343, MedGen C3839822, MONDO:0100216.

Submissions (3):

Ambry Genetics
Classification: Uncertain significance for Hereditary cancer-predisposing syndrome. Last evaluated: 2025-06-06. Review status: criteria provided, single submitter. Criteria: Ambry Variant Classification Scheme 2023. Collection method: clinical testing. Allele origin: germline.
Comment: The p.G1284V variant (also known as c.3851G>T), located in coding exon 20 of the DICER1 gene, results from a G to T substitution at nucleotide position 3851. The glycine at codon 1284 is replaced by valine, an amino acid with dissimilar properties. This amino acid position is not well conserved in available vertebrate species. In addition, the in silico prediction for this alteration is inconclusive. Based on the available evidence, the clinical significance of this variant remains unclear.

Labcorp Genetics (formerly Invitae), Labcorp
Classification: Uncertain significance for DICER1-related tumor predisposition. Last evaluated: 2022-03-22. Review status: criteria provided, single submitter. Criteria: Invitae Variant Classification Sherloc (09022015). Collection method: clinical testing. Allele origin: germline.
Comment: In summary, the available evidence is currently insufficient to determine the role of this variant in disease. Therefore, it has been classified as a Variant of Uncertain Significance. Algorithms developed to predict the effect of missense changes on protein structure and function (SIFT, PolyPhen-2, Align-GVGD) all suggest that this variant is likely to be tolerated. ClinVar contains an entry for this variant (Variation ID: 1014975). This variant has not been reported in the literature in individuals affected with DICER1-related conditions. This variant is not present in population databases (gnomAD no frequency). This sequence change replaces glycine, which is neutral and non-polar, with valine, which is neutral and non-polar, at codon 1284 of the DICER1 protein (p.Gly1284Val).

GeneDx
Classification: Uncertain significance. Last evaluated: 2019-08-09. Review status: criteria provided, single submitter. Criteria: GeneDx Variant Classification Process June 2021. Collection method: clinical testing. Allele origin: germline. Affected: yes.
Comment: Not observed at a significant frequency in large population cohorts (Lek et al., 2016); In silico analysis, which includes protein predictors and evolutionary conservation, supports that this variant does not alter protein structure/function; Has not been previously published as pathogenic or benign to our knowledge

NM_177438.3(DICER1):c.3851G>T (p.Gly1284Val)

Gene: DICER1 (dicer 1, ribonuclease III; minus strand). Cytogenetic location: 14q32.13.
Variant type: single nucleotide variant.
Coding change: c.3851G>T on transcript NM_177438.3 (MANE Select); coding-DNA position 3851, G replaced by T.
Protein change: p.Gly1284Val; replaces glycine 1284 with valine.
Molecular consequence: missense variant.
Genome position (GRCh38, 1-based): chr14:95,103,545, C>A on the plus strand (G>T on the coding strand, the complement: DICER1 is on the minus strand). VCF-style: chr14-95103545-C-A. GRCh37 (hg19) VCF-style: chr14-95569882-C-A.
Other names: c.3851G>T, p.Gly1284Val (NM_001195573.1, NM_001271282.3, NM_001291628.2 and 1 more transcripts); short protein forms G1284V.
Identifiers: ClinVar variation 1014975 (VCV001014975.14), dbSNP rs563395930, ClinGen allele CA390873310.
Genomic context (GRCh38, chr14:95,103,545, plus strand): 5'-GACAGAGTCAAAGCCTGAAGAATAAGTCCAGGATTGGGGCCAAGAGTCCTTGAGGAGTAC[C>A]CAATAGAAGGGCTCTGCTCAGAATCCATCCTGCCCTTGAGCACTTGAATAGTGTCTGTCG-3'
Protein context (NP_803187.1, residues 1274-1294): RMDSEQSPSI[Gly1284Val]YSSRTLGPNP